The following is an entry in ClinVar:

NM_002519.3(NPAT):c.2377G>A (p.Glu793Lys)

Gene: NPAT (nuclear protein, coactivator of histone transcription; minus strand). Cytogenetic location: 11q22.3.
Variant type: single nucleotide variant.
Coding change: c.2377G>A on transcript NM_002519.3 (MANE Select); coding-DNA position 2377, G replaced by A.
Protein change: p.Glu793Lys; replaces glutamic acid 793 with lysine.
Molecular consequence: missense variant.
Genome position (GRCh38, 1-based): chr11:108,172,607, C>T on the plus strand (G>A on the coding strand, the complement: NPAT is on the minus strand). VCF-style: chr11-108172607-C-T. GRCh37 (hg19) VCF-style: chr11-108043334-C-T.
Other names: c.2377G>A, p.Glu793Lys (NM_001321307.1); short protein forms E793K.
Identifiers: ClinVar variation 3222523 (VCV003222523.1), dbSNP rs2496717492, ClinGen allele CA382513112.
Genomic context (GRCh38, chr11:108,172,607, plus strand): 5'-TCTGTTCCATTGAGGCTGAATCCCCTACTTCGGCATATACAACAGCACCTACAGTTTCTT[C>T]TGAAGATAGGCATTTAACTAGTTCTGCATTTTTAGTAGGTGATTTAGTAGGAGAAGACAA-3'
Protein context (NP_002510.2, residues 783-803): NAELVKCLSS[Glu793Lys]ETVGAVVYAE

ClinVar aggregate classification (germline): Uncertain significance (1 of 4 stars; one submission).

Submission:

Ambry Genetics
Classification: Uncertain significance. Last evaluated: 2023-12-08. Review status: criteria provided, single submitter. Criteria: Ambry Variant Classification Scheme 2023. Collection method: clinical testing. Allele origin: germline.
Comment: The p.E793K variant (also known as c.2377G>A), located in coding exon 13 of the NPAT gene, results from a G to A substitution at nucleotide position 2377. The glutamic acid at codon 793 is replaced by lysine, an amino acid with similar properties. This amino acid position is conserved. In addition, this alteration is predicted to be tolerated by in silico analysis. Since supporting evidence is limited at this time, the clinical significance of this alteration remains unclear.